The following is an entry in ClinVar:

NM_000059.4(BRCA2):c.5113A>G (p.Ile1705Val)

Gene: BRCA2 (BRCA2 DNA repair associated; plus strand). Cytogenetic location: 13q13.1.
Variant type: single nucleotide variant.
Coding change: c.5113A>G on transcript NM_000059.4 (MANE Select); coding-DNA position 5113, A replaced by G.
Protein change: p.Ile1705Val; replaces isoleucine 1705 with valine.
Molecular consequence: missense variant.
Genome position (GRCh38, 1-based): chr13:32,339,468, A>G. VCF-style: chr13-32339468-A-G. GRCh37 (hg19) VCF-style: chr13-32913605-A-G.
Other names: 5341A>G; short protein forms I1705V.
Identifiers: ClinVar variation 51771 (VCV000051771.35), dbSNP rs80358737, ClinGen allele CA021283.

ClinVar aggregate classification (germline): Conflicting classifications of pathogenicity. Review status: criteria provided, conflicting classifications (1 of 4 stars). 14 submissions from 14 submitters: Uncertain significance (4); Likely benign (7). 3 of the submissions do not count toward it. Last evaluated 2025-10-14.

Conditions:
Hereditary cancer-predisposing syndrome. Also called: Neoplastic Syndromes, Hereditary; Tumor predisposition; Hereditary neoplastic syndrome; Hereditary Cancer Syndrome. Identifiers: Orphanet 140162, MedGen C0027672, MeSH D009386, MONDO:0015356.
Hereditary breast ovarian cancer syndrome. Also called: Hereditary breast and ovarian cancer syndrome; Hereditary breast and ovarian cancer; Hereditary breast and ovarian cancer syndrome (HBOC); Breast and ovarian cancer; Hereditary breast and/or ovarian cancer syndrome; BRCA1- and BRCA2-Associated Hereditary Breast and Ovarian Cancer. Identifiers: Orphanet 145, MedGen C0677776, MeSH D061325, MONDO:0003582. Disease mechanism: loss of function.
Breast-ovarian cancer, familial, susceptibility to, 2 (BROVCA2). Also called: BRCA2 Hereditary Breast and Ovarian Cancer. Identifiers: Orphanet 145, MedGen C2675520, MONDO:0012933, OMIM 612555. Disease mechanism: loss of function.

Allele frequency attached by ClinVar (database versions not stated): gnomAD exomes 0.00005 and 0.00002; ExAC 0.00007; TOPMed below 0.00001; gnomAD 0.00002.
gnomAD v4.1: 28 of 1,587,670 alleles (0.0018%); highest among the groups gnomAD compares: Non-Finnish European, 0.0017%; no homozygotes.

Submissions (14):

Labcorp Genetics (formerly Invitae), Labcorp
Classification: Likely benign for Hereditary breast ovarian cancer syndrome. Last evaluated: 2025-10-14. Review status: criteria provided, single submitter. Criteria: Invitae Variant Classification Sherloc (09022015). Collection method: clinical testing. Allele origin: germline.

Ambry Genetics
Classification: Likely benign for Hereditary cancer-predisposing syndrome. Last evaluated: 2025-07-18. Review status: criteria provided, single submitter. Criteria: Ambry Variant Classification Scheme 2023. Collection method: clinical testing. Allele origin: germline.

Quest Diagnostics Nichols Institute San Juan Capistrano
Classification: Uncertain significance. Last evaluated: 2025-05-19. Review status: criteria provided, single submitter. Criteria: Quest Diagnostics criteria. Collection method: clinical testing. Allele origin: unknown.
Comment: The BRCA2 c.5113A>G (p.Ile1705Val) variant has been reported in an individuals with melanoma (PMID: 31464824 (2019)) and breast cancer (PMID: 33471991 (2021), see also LOVD). This variant has also been identified in reportedly unaffected individuals (PMID: 33471991 (2021), see also LOVD). A published multifactorial analysis has also classified this variant as a variant of uncertain significance (PMID: 31131967 (2019)) and was also described to be located in a region of the BRCA2 gene that is tolerant to missense sequence changes (PMID: 31911673 (2020)). The frequency of this variant in the general population (Genome Aggregation Database) is uninformative in the assessment of its pathogenicity. Analysis of this variant using bioinformatics tools for the prediction of the effect of amino acid changes on protein structure and function yielded predictions that this variant is benign. Based on the available information, we are unable to determine the clinical significance of this variant.

Center for Genomic Medicine, Rigshospitalet, Copenhagen University Hospital
Classification: Likely benign. Last evaluated: 2025-03-04. Review status: criteria provided, single submitter. Criteria: ACMG Guidelines, 2015. Collection method: clinical testing. Allele origin: germline.

All of Us Research Program, National Institutes of Health
Classification: Likely benign for Breast-ovarian cancer, familial, susceptibility to, 2. Last evaluated: 2023-11-30. Review status: criteria provided, single submitter. Criteria: ACMG Guidelines, 2015. Collection method: clinical testing. Allele origin: germline. Inheritance: Autosomal dominant inheritance. Observed: 6 variant alleles, 6 heterozygotes.
Comment: This study involves interpretation of variants in research participants for the purpose of population health screening. Participant phenotype was not available at the time of variant classification. Additional details can be found in publication PMID: 35346344, PMCID: PMC8962531

Myriad Genetics, Inc.
Classification: Likely benign for Breast-ovarian cancer, familial, susceptibility to, 2. Last evaluated: 2023-11-06. Review status: criteria provided, single submitter. Criteria: Myriad Autosomal Dominant, Autosomal Recessive and X-Linked Classification Criteria (2023). Collection method: clinical testing. Allele origin: unknown.
Comment: This variant is considered likely benign. This variant is strongly associated with less severe personal and family histories of cancer, typical for individuals without pathogenic variants in this gene [PMID: 25085752].

University of Washington Department of Laboratory Medicine, University of Washington
Classification: Likely benign for Hereditary cancer-predisposing syndrome. Last evaluated: 2023-03-23. Review status: criteria provided, single submitter. Criteria: Dines et al. (Genet Med. 2020). Collection method: curation. Allele origin: germline.
Comment: Missense variant in a coldspot region where missense variants are very unlikely to be pathogenic (PMID:31911673).

BRCA2 exon 11 coldspot. Reclassification based on statistical prior probability.

GeneDx
Classification: Uncertain significance. Last evaluated: 2022-05-19. Review status: criteria provided, single submitter. Criteria: GeneDx Variant Classification Process June 2021. Collection method: clinical testing. Allele origin: germline. Affected: yes.
Comment: In silico analysis supports that this missense variant does not alter protein structure/function; Has not been previously published as pathogenic or benign to our knowledge; Also known as 5341A>G; This variant is associated with the following publications: (PMID: 31131967)

Color Diagnostics, LLC DBA Color Health
Classification: Likely benign for Hereditary cancer-predisposing syndrome. Last evaluated: 2021-05-14. Review status: criteria provided, single submitter. Criteria: ACMG Guidelines, 2015. Collection method: clinical testing. Allele origin: germline.

Genetic Services Laboratory, University of Chicago
Classification: Uncertain significance. Last evaluated: 2020-09-11. Review status: criteria provided, single submitter. Criteria: ACMG Guidelines, 2015. Collection method: clinical testing. Allele origin: germline. Affected: no.
Comment: DNA sequence analysis of the BRCA2 gene demonstrated a sequence change, c.5113A>G, in exon 11 that results in an amino acid change, p.Ile1705Val. This sequence change does not appear to have been previously described in patients with BRCA2-related disorders and has been described in the gnomAD database with a frequency of 0.016% in the Finnish population (dbSNP rs80358737). The p.Ile1705Val change affects a poorly conserved amino acid residue located in a domain of the BRCA2 protein that is known to be functional. The p.Ile1705Val substitution appears to be benign using several in-silico pathogenicity prediction tools (SIFT, PolyPhen2, Align GVGD, REVEL). Due to these contrasting evidences and the lack of functional studies, the clinical significance of the p.Ile1705Val change remains unknown at this time.

Women's Health and Genetics/Laboratory Corporation of America, LabCorp
Classification: Uncertain significance. Last evaluated: 2019-09-12. Review status: criteria provided, single submitter. Criteria: LabCorp Variant Classification Summary - May 2015. Collection method: clinical testing. Allele origin: germline.
Comment: Variant summary: BRCA2 c.5113A>G (p.Ile1705Val) results in a conservative amino acid change located in the BRCA2 repeat region (IPR002093). Five of five in-silico tools predict a benign effect of the variant on protein function. The variant allele was found at a frequency of 4.7e-05 in 231866 control chromosomes (gnomAD). This frequency is not higher than the estimated maximal pathogenic allele frequency expected for a variant in BRCA2 causing Hereditary Breast and Ovarian Cancer (4.7e-05 vs 0.00075), allowing no conclusion about variant significance. To our knowledge, there are no reports of c.5113A>G in individuals affected with Hereditary Breast and Ovarian Cancer and no experimental evidence demonstrating an impact on protein function in the literature. Three other clinical diagnostic laboratories have submitted clinical-significance assessments for this variant to ClinVar (evaluation after 2014) and cited the variant as uncertain significance. Based on the evidence outlined above, the variant was classified as uncertain significance.

BRCAlab, Lund University
Classification: Uncertain significance for Breast-ovarian cancer, familial, susceptibility to, 2. Last evaluated: 2020-03-02. Review status: no assertion criteria provided. Collection method: clinical testing. Allele origin: germline. Affected: yes. Not counted in ClinVar's aggregate classification.

Sharing Clinical Reports Project (SCRP)
Classification: Uncertain significance for Breast-ovarian cancer, familial 2. Last evaluated: 2010-08-30. Review status: no assertion criteria provided. Collection method: clinical testing. Allele origin: germline. Not counted in ClinVar's aggregate classification.

Breast Cancer Information Core (BIC) (BRCA2)
Classification: Uncertain significance for Breast-ovarian cancer, familial 2. Last evaluated: 2002-06-20. Review status: no assertion criteria provided. Collection method: clinical testing. Allele origin: germline. Affected: yes. Observed: 1 variant allele. Not counted in ClinVar's aggregate classification.

Literature cited by the submitters: PubMed 31464824 (cited by Ambry Genetics and Quest Diagnostics Nichols Institute San Juan Capistrano); PubMed 33471991 (cited by Quest Diagnostics Nichols Institute San Juan Capistrano); PubMed 31131967 (cited by Quest Diagnostics Nichols Institute San Juan Capistrano); PubMed 30122538 (cited by Quest Diagnostics Nichols Institute San Juan Capistrano and Women's Health and Genetics/Laboratory Corporation of America, LabCorp); PubMed 31911673 (cited by Quest Diagnostics Nichols Institute San Juan Capistrano); PubMed 25085752 (cited by Myriad Genetics, Inc.).